The following is an entry in ClinVar:

NM_004586.3(RPS6KA3):c.1246A>C (p.Ile416Leu)

Gene: RPS6KA3 (ribosomal protein S6 kinase A3; minus strand). Cytogenetic location: Xp22.12.
Variant type: single nucleotide variant.
Coding change: c.1246A>C on transcript NM_004586.3 (MANE Select); coding-DNA position 1246, A replaced by C.
Protein change: p.Ile416Leu; replaces isoleucine 416 with leucine.
Molecular consequence: missense variant.
Genome position (GRCh38, 1-based): chrX:20,172,853, T>G on the plus strand (A>C on the coding strand, the complement: RPS6KA3 is on the minus strand). VCF-style: chrX-20172853-T-G. GRCh37 (hg19) VCF-style: chrX-20190971-T-G.
Other names: c.1162A>C, p.Ile388Leu (NM_001438340.1); short protein forms I388L, I416L.
Identifiers: ClinVar variation 4989093 (VCV004989093.1).

ClinVar aggregate classification (germline): Uncertain significance (1 of 4 stars; one submission).

Conditions:
RPS6KA3-related disorder. Also called: RPS6KA3-related condition.

gnomAD v4.1: 4 of 1,205,192 alleles (0.00033%); highest among the groups gnomAD compares: Non-Finnish European, 0.00045%; no homozygotes.

Submission:

PreventionGenetics, part of Exact Sciences
Classification: Uncertain significance for RPS6KA3-related condition. Last evaluated: 2025-05-27. Review status: criteria provided, single submitter. Criteria: ACMG Guidelines, 2015. Collection method: clinical testing. Allele origin: germline.
Comment: The RPS6KA3 c.1246A>C variant is predicted to result in the amino acid substitution p.Ile416Leu. To our knowledge, this variant has not been reported in the literature or in a large population database, indicating this variant is rare. At this time, the clinical significance of this variant is uncertain due to the absence of conclusive functional and genetic evidence.